The following is an entry in ClinVar:

ClinVar aggregate classification (germline): Uncertain significance (1 of 4 stars; one submission).

Conditions:
Dilated cardiomyopathy 1O (CMD1O). Also called: CARDIOMYOPATHY, DILATED, WITH VENTRICULAR TACHYCARDIA. Identifiers: Orphanet 154, MedGen C1837839, MONDO:0012062, OMIM 608569.

Allele frequency attached by ClinVar (database versions not stated): gnomAD exomes below 0.00001; gnomAD 0.00001.
gnomAD v4.1: 2 of 1,612,264 alleles (0.00012%); highest among the groups gnomAD compares: African/African-American, 0.0013%; no homozygotes.

Submission:

Labcorp Genetics (formerly Invitae), Labcorp
Classification: Uncertain significance for Dilated cardiomyopathy 1O. Last evaluated: 2022-08-09. Review status: criteria provided, single submitter. Criteria: Invitae Variant Classification Sherloc (09022015). Collection method: clinical testing. Allele origin: germline.
Comment: In summary, the available evidence is currently insufficient to determine the role of this variant in disease. Therefore, it has been classified as a Variant of Uncertain Significance. Algorithms developed to predict the effect of missense changes on protein structure and function (SIFT, PolyPhen-2, Align-GVGD) all suggest that this variant is likely to be tolerated. ClinVar contains an entry for this variant (Variation ID: 1377020). This variant has not been reported in the literature in individuals affected with ABCC9-related conditions. This variant is not present in population databases (gnomAD no frequency). This sequence change replaces isoleucine, which is neutral and non-polar, with valine, which is neutral and non-polar, at codon 498 of the ABCC9 protein (p.Ile498Val).

NM_020297.4(ABCC9):c.1492A>G (p.Ile498Val)

Gene: ABCC9 (ATP binding cassette subfamily C member 9; minus strand). Cytogenetic location: 12p12.1.
Variant type: single nucleotide variant.
Coding change: c.1492A>G on transcript NM_020297.4 (MANE Select); coding-DNA position 1492, A replaced by G.
Protein change: p.Ile498Val; replaces isoleucine 498 with valine.
Molecular consequence: missense variant.
Genome position (GRCh38, 1-based): chr12:21,906,252, T>C on the plus strand (A>G on the coding strand, the complement: ABCC9 is on the minus strand). VCF-style: chr12-21906252-T-C. GRCh37 (hg19) VCF-style: chr12-22059186-T-C.
Other names: c.1492A>G, p.Ile498Val (NM_001377273.1, NM_005691.4); c.628A>G, p.Ile210Val (NM_001377274.1); short protein forms I210V, I498V.
Identifiers: ClinVar variation 1377020 (VCV001377020.8), dbSNP rs1565470546, ClinGen allele CA384139438.
Genomic context (GRCh38, chr12:21,906,252, plus strand): 5'-CACTTTTGCAGAAAATGTGTTCCCAGGCATACAATTTTAGAAGTTTGATGCCTTTCAATA[T>C]TTCATTTGTTTTCTTGAGTCTCTCAGTGGAATAATCCTATAAAACAAAGGAAGAAAAATA-3'
Protein context (NP_064693.2, residues 488-508): STERLKKTNE[Ile498Val]LKGIKLLKLY